The following is an entry in ClinVar:

NM_001253697.2(ERBIN):c.3311A>G (p.Tyr1104Cys)

Gene: ERBIN (erbb2 interacting protein; plus strand). Cytogenetic location: 5q12.3.
Variant type: single nucleotide variant.
Coding change: c.3311A>G on transcript NM_001253697.2 (MANE Select); coding-DNA position 3311, A replaced by G.
Protein change: p.Tyr1104Cys; replaces tyrosine 1104 with cysteine.
Molecular consequence: missense variant.
Genome position (GRCh38, 1-based): chr5:66,054,629, A>G. VCF-style: chr5-66054629-A-G. GRCh37 (hg19) VCF-style: chr5-65350457-A-G.
Other names: c.3311A>G, p.Tyr1104Cys (NM_001006600.3, NM_001253698.2, NM_001253699.2 and 1 more transcripts); c.3299A>G, p.Tyr1100Cys (NM_001253701.2); short protein forms Y1104C, Y1100C.
Identifiers: ClinVar variation 2743127 (VCV002743127.3), dbSNP rs1353918897, ClinGen allele CA359869565.

ClinVar aggregate classification (germline): Uncertain significance (1 of 4 stars; one submission).

Submission:

Labcorp Genetics (formerly Invitae), Labcorp
Classification: Uncertain significance. Last evaluated: 2023-07-13. Review status: criteria provided, single submitter. Criteria: Invitae Variant Classification Sherloc (09022015). Collection method: clinical testing. Allele origin: germline.
Comment: This sequence change replaces tyrosine, which is neutral and polar, with cysteine, which is neutral and slightly polar, at codon 1104 of the ERBIN protein (p.Tyr1104Cys). This variant is not present in population databases (gnomAD no frequency). This variant has not been reported in the literature in individuals affected with ERBIN-related conditions. An algorithm developed to predict the effect of missense changes on protein structure and function (PolyPhen-2) suggests that this variant is likely to be disruptive. In summary, the available evidence is currently insufficient to determine the role of this variant in disease. Therefore, it has been classified as a Variant of Uncertain Significance.